The following is an entry in ClinVar:

ClinVar aggregate classification (germline): Uncertain significance. Review status: criteria provided, multiple submitters, no conflicts (2 of 4 stars). 2 submissions from 2 submitters: Uncertain significance (2). Last evaluated 2026-07-13.

Conditions:
Familial thoracic aortic aneurysm and aortic dissection (TAAD). Also called: Thoracic aortic aneurysms and dissections. Identifiers: Orphanet 91387, MedGen C4707243, MONDO:0019625.

Submissions (2):

Ambry Genetics
Classification: Uncertain significance for Familial thoracic aortic aneurysm and aortic dissection. Last evaluated: 2026-07-13. Review status: criteria provided, single submitter. Criteria: Ambry Variant Classification Scheme 2023. Collection method: clinical testing. Allele origin: germline.
Comment: The p.V1387A variant (also known as c.4160T>C), located in coding exon 30 of the MYH11 gene, results from a T to C substitution at nucleotide position 4160. The valine at codon 1387 is replaced by alanine, an amino acid with similar properties. This amino acid position is conserved. In addition, this alteration is predicted to be tolerated by in silico analysis. Based on the available evidence, the clinical significance of this variant remains unclear.

Color Diagnostics, LLC DBA Color Health
Classification: Uncertain significance for Familial thoracic aortic aneurysm and aortic dissection. Last evaluated: 2024-06-17. Review status: criteria provided, single submitter. Criteria: ACMG Guidelines, 2015. Collection method: clinical testing. Allele origin: germline.
Comment: This missense variant replaces valine with alanine at codon 1394 of the MYH11 protein. Computational prediction suggests that this variant may not impact protein structure and function (internally defined REVEL score threshold <= 0.5, PMID: 27666373). To our knowledge, functional studies have not been reported for this variant. This variant has not been reported in individuals affected with MYH11-related disorders in the literature. This variant has not been identified in the general population by the Genome Aggregation Database (gnomAD). The available evidence is insufficient to determine the role of this variant in disease conclusively. Therefore, this variant is classified as a Variant of Uncertain Significance.

NM_002474.3(MYH11):c.4160T>C (p.Val1387Ala)

Genes: MYH11 (myosin heavy chain 11; minus strand), NDE1 (nudE neurodevelopment protein 1; plus strand). Cytogenetic location: 16p13.11.
Variant type: single nucleotide variant.
Coding change: c.4160T>C on transcript NM_002474.3 (MANE Select); coding-DNA position 4160, T replaced by C.
Protein change: p.Val1387Ala; replaces valine 1387 with alanine.
Molecular consequence: missense variant. On other transcripts: 3 prime UTR variant (2).
Genome position (GRCh38, 1-based): chr16:15,724,366, A>G on the plus strand (T>C on the coding strand, the complement: MYH11 is on the minus strand). VCF-style: chr16-15724366-A-G. GRCh37 (hg19) VCF-style: chr16-15818223-A-G.
Other names: c.4181T>C, p.Val1394Ala (NM_001040113.2, NM_001040114.2); c.4160T>C, p.Val1387Ala (NM_022844.3); c.*115A>G (NM_001143979.2, NM_017668.3); c.4160T>C (NM_002474.2); short protein forms V1387A, V1394A.
Identifiers: ClinVar variation 3894410 (VCV003894410.2).
Genomic context (GRCh38, chr16:15,724,366, plus strand): 5'-TGCTGGGTGAGGTTCTCGATCTCCTTCTGGAACCTCTTCTTCCCCTCTTCCAGAGCTTCC[A>G]CGGTGCTGGCAAAGTCCTGCAGCTTCTTCTTCGAGTCGGAGAGCTACAAGGACAGCGTCC-3'
Protein context (NP_002465.1, residues 1377-1397): KKKLQDFAST[Val1387Ala]EALEEGKKRF